The following is an entry in ClinVar:

ClinVar aggregate classification (germline): Conflicting classifications of pathogenicity. Review status: criteria provided, conflicting classifications (1 of 4 stars). 2 submissions from 2 submitters: Uncertain significance (1); Likely benign (1). Last evaluated 2026-09-01.

Allele frequency attached by ClinVar (database versions not stated): gnomAD 0.00007; gnomAD exomes 0.00010; ExAC 0.00011; TOPMed 0.00014.
gnomAD v4.1: 156 of 1,587,588 alleles (0.0098%); highest among the groups gnomAD compares: Admixed American, 0.048%; no homozygotes.

Submissions (2):

CeGaT Center for Human Genetics Tuebingen
Classification: Likely benign. Last evaluated: 2026-09-01. Review status: criteria provided, single submitter. Criteria: CeGaT Center For Human Genetics Tuebingen Variant Classification Criteria Version 2. Collection method: clinical testing. Allele origin: germline. Affected: yes. Observed: 1 variant allele.
Comment: DENND5B: BP4, BS2

Ambry Genetics
Classification: Uncertain significance. Last evaluated: 2023-12-22. Review status: criteria provided, single submitter. Criteria: Ambry Variant Classification Scheme 2023. Collection method: clinical testing. Allele origin: germline.

NM_144973.4(DENND5B):c.814C>T (p.Arg272Trp)

Gene: DENND5B (DENN domain containing 5B; minus strand). Cytogenetic location: 12p11.21.
Variant type: single nucleotide variant.
Coding change: c.814C>T on transcript NM_144973.4 (MANE Select); coding-DNA position 814, C replaced by T.
Protein change: p.Arg272Trp; replaces arginine 272 with tryptophan.
Molecular consequence: missense variant. On other transcripts: intron variant (1).
Genome position (GRCh38, 1-based): chr12:31,479,679, G>A on the plus strand (C>T on the coding strand, the complement: DENND5B is on the minus strand). VCF-style: chr12-31479679-G-A. GRCh37 (hg19) VCF-style: chr12-31632613-G-A.
Other names: c.919C>T, p.Arg307Trp (NM_001308339.2); c.880C>T, p.Arg294Trp (NM_001366890.1, NM_001366893.1); c.814C>T, p.Arg272Trp (NM_001366892.1); c.373+441C>T (NM_001366891.1); short protein forms R272W, R294W, R307W.
Identifiers: ClinVar variation 3081688 (VCV003081688.2), dbSNP rs535055963, ClinGen allele CA6504043.